The following is an entry in ClinVar:

NM_014055.4(IFT81):c.1468-7A>G

Gene: IFT81 (intraflagellar transport 81; plus strand). Cytogenetic location: 12q24.11.
Variant type: single nucleotide variant.
Coding change: c.1468-7A>G on transcript NM_014055.4 (MANE Select); 7 bases into the intron before coding-DNA position 1468, A replaced by G.
Molecular consequence: intron variant.
Genome position (GRCh38, 1-based): chr12:110,192,610, A>G. VCF-style: chr12-110192610-A-G. GRCh37 (hg19) VCF-style: chr12-110630415-A-G.
Other names: c.538-7A>G (NM_001347948.2, NM_001347947.2); c.1468-7A>G (NM_001143779.2).
Identifiers: ClinVar variation 2102676 (VCV002102676.4), dbSNP rs1897845672, ClinGen allele CA2062740372.
Genomic context (GRCh38, chr12:110,192,610, plus strand): 5'-TATGCATGTAGTATTTTTCTTTTTTTGAATTCTTTTTTAGGTGTTATATTTTTTGTTCAA[A>G]TAACAGGTGAAAAAACTGTATTCATTGGTATCTGAAAAGAAGTCAGCTCTTGCCTCAGTT-3'

ClinVar aggregate classification (germline): Uncertain significance (1 of 4 stars; one submission).

Submission:

Labcorp Genetics (formerly Invitae), Labcorp
Classification: Uncertain significance. Last evaluated: 2022-02-23. Review status: criteria provided, single submitter. Criteria: Invitae Variant Classification Sherloc (09022015). Collection method: clinical testing. Allele origin: germline.
Comment: This sequence change falls in intron 13 of the IFT81 gene. It does not directly change the encoded amino acid sequence of the IFT81 protein. This variant is not present in population databases (gnomAD no frequency). This variant has not been reported in the literature in individuals affected with IFT81-related conditions. Algorithms developed to predict the effect of sequence changes on RNA splicing suggest that this variant may disrupt the consensus splice site. In summary, the available evidence is currently insufficient to determine the role of this variant in disease. Therefore, it has been classified as a Variant of Uncertain Significance.